The following is an entry in ClinVar:

NM_007118.4(TRIO):c.8084C>T (p.Thr2695Met)

Genes: TRIO (trio Rho guanine nucleotide exchange factor; plus strand), LOC126807323 (CDK7 strongly-dependent group 2 enhancer GRCh37_chr5:14497716-14498915; plus strand). Cytogenetic location: 5p15.2.
Variant type: single nucleotide variant.
Coding change: c.8084C>T on transcript NM_007118.4 (MANE Select); coding-DNA position 8084, C replaced by T.
Protein change: p.Thr2695Met; replaces threonine 2695 with methionine.
Molecular consequence: missense variant. On other transcripts: non-coding transcript variant (1).
Genome position (GRCh38, 1-based): chr5:14,498,125, C>T. VCF-style: chr5-14498125-C-T. GRCh37 (hg19) VCF-style: chr5-14498234-C-T.
Other names: short protein forms T2695M.
Identifiers: ClinVar variation 1032523 (VCV001032523.4), dbSNP rs1032913640, ClinGen allele CA114008966.
Genomic context (GRCh38, chr5:14,498,125, plus strand): 5'-TTTACCGACTCCTTTCCCATGCAGTTCCCCCAGAATTCGTCATTCCATTGAGTGAGGTCA[C>T]GTGTGAGACAGGGGAGACCGTTGTTCTTAGATGTCGAGTCTGTGGCCGCCCCAAAGCCTC-3'
Protein context (NP_009049.2, residues 2685-2705): PEFVIPLSEV[Thr2695Met]CETGETVVLR

ClinVar aggregate classification (germline): Uncertain significance. Review status: criteria provided, multiple submitters, no conflicts (2 of 4 stars). 2 submissions from 2 submitters: Uncertain significance (2). Last evaluated 2023-04-14.

Conditions:
Intellectual developmental disorder, autosomal dominant 44, with microcephaly. Also called: Micrognathia-recurrent infections-behavioral abnormalities-mild intellectual disability syndrome; TRIO-Related Intellectual Disability. Identifiers: Orphanet 476126, MedGen C4310740, MONDO:0014892, OMIM 617061.

Allele frequency attached by ClinVar (database versions not stated): gnomAD exomes below 0.00001 and 0.00002; TOPMed 0.00002; gnomAD 0.00003.
gnomAD v4.1: 11 of 1,614,066 alleles (0.00068%); highest among the groups gnomAD compares: Admixed American, 0.005%; no homozygotes.

Submissions (2):

GeneDx
Classification: Uncertain significance. Last evaluated: 2023-04-14. Review status: criteria provided, single submitter. Criteria: GeneDx Variant Classification Process June 2021. Collection method: clinical testing. Allele origin: germline. Affected: yes.
Comment: In silico analysis supports that this missense variant has a deleterious effect on protein structure/function; Has not been previously published as pathogenic or benign to our knowledge

Baylor Genetics
Classification: Uncertain significance for Intellectual developmental disorder, autosomal dominant 44, with microcephaly. Last evaluated: 2018-12-06. Review status: criteria provided, single submitter. Criteria: ACMG Guidelines, 2015. Collection method: clinical testing. Allele origin: unknown. Affected: yes.
Comment: This variant was determined to be of uncertain significance according to ACMG Guidelines, 2015 [PMID:25741868].